The following is an entry in ClinVar:

NM_000298.6(PKLR):c.724_733del (p.Asn242fs)

Gene: PKLR (pyruvate kinase L/R; minus strand). Cytogenetic location: 1q22.
Variant type: Deletion.
Coding change: c.724_733del on transcript NM_000298.6 (MANE Select); coding-DNA positions 724 to 733, 10 bases deleted (AACGGCGGCG; older notation c.724_733delAACGGCGGCG).
Protein change: p.Asn242fs; shifts the reading frame from asparagine 242.
Molecular consequence: frameshift variant.
Genome position (GRCh38, 1-based): chr1:155,294,714-155,294,723, CGCCGCCGTT deleted on the plus strand (AACGGCGGCG on the coding strand, the reverse complement: PKLR is on the minus strand); deleting any 10 consecutive bases within chr1:155,294,714-155,294,724 gives the same sequence; the c. name uses the placement nearest the transcript's 3' end. VCF-style (leftmost placement, unchanged base first): chr1-155294713-ACGCCGCCGTT-A. GRCh37 (hg19) VCF-style: chr1-155264504-ACGCCGCCGTT-A.
Other names: c.631_640del, p.Asn211fs (NM_181871.4); short protein forms N242fs, N211fs.
Identifiers: ClinVar variation 5007857 (VCV005007857.2).

ClinVar aggregate classification (germline): Pathogenic (1 of 4 stars; one submission).

Conditions:
Pyruvate kinase deficiency of red cells (CNSHA2). Also called: PK DEFICIENCY; PYRUVATE KINASE DEFICIENCY OF ERYTHROCYTE; Pyruvate kinase deficiency, Amish type. Identifiers: Orphanet 766, MedGen C0340968, MONDO:0009950, OMIM 266200.
Pyruvate kinase hyperactivity. Identifiers: MedGen C1863224, MONDO:0007067, OMIM 102900.

Submission:

Juno Genomics, Hangzhou Juno Genomics, Inc
Classification: Pathogenic for Pyruvate kinase hyperactivity; Pyruvate kinase deficiency of red cells. Review status: criteria provided, single submitter. Criteria: ACMG Guidelines, 2015. Collection method: clinical testing. Allele origin: germline.
Comment: Null variant in a gene where loss of function (LOF) is a known mechanism of disease.;Absent from controls (or at extremely low frequency if recessive) in Genome Aggregation Database.;Patient's phenotype or family history is highly specific for a disease with a single genetic etiology.